The following is an entry in ClinVar:

NM_022464.5(SIL1):c.1022C>T (p.Thr341Met)

Gene: SIL1 (SIL1 nucleotide exchange factor; minus strand). Cytogenetic location: 5q31.2.
Variant type: single nucleotide variant.
Coding change: c.1022C>T on transcript NM_022464.5 (MANE Select); coding-DNA position 1022, C replaced by T.
Protein change: p.Thr341Met; replaces threonine 341 with methionine.
Molecular consequence: missense variant.
Genome position (GRCh38, 1-based): chr5:138,951,178, G>A on the plus strand (C>T on the coding strand, the complement: SIL1 is on the minus strand). VCF-style: chr5-138951178-G-A. GRCh37 (hg19) VCF-style: chr5-138286867-G-A.
Other names: c.1022C>T, p.Thr341Met (NM_001037633.2); short protein forms T341M.
Identifiers: ClinVar variation 994490 (VCV000994490.7), dbSNP rs372399027, ClinGen allele CA3432413.

ClinVar aggregate classification (germline): Uncertain significance. Review status: criteria provided, multiple submitters, no conflicts (2 of 4 stars). 4 submissions from 4 submitters: Uncertain significance (4). Last evaluated 2021-12-28.

Conditions:
Inborn genetic diseases. Identifiers: MedGen C0950123, MeSH D030342.
Marinesco-Sjögren syndrome (MSS). Also called: Marinesco-SjÃ¶gren syndrome; Marinesco-Sjogren Syndrome. Identifiers: Orphanet 559, MedGen C0024814, MONDO:0009567, OMIM 248800.

Allele frequency attached by ClinVar (database versions not stated): gnomAD exomes 0.00005 and 0.00006; gnomAD 0.00008 and 0.00009; ExAC 0.00010; TOPMed 0.00010; ESP Exome Variant Server 0.00015.
gnomAD v4.1: 88 of 1,611,316 alleles (0.0055%); highest among the groups gnomAD compares: East Asian, 0.029%; no homozygotes.

Submissions (4):

Ambry Genetics
Classification: Uncertain significance for Inborn genetic diseases. Last evaluated: 2021-12-28. Review status: criteria provided, single submitter. Criteria: Ambry Variant Classification Scheme 2023. Collection method: clinical testing. Allele origin: germline.

Labcorp Genetics (formerly Invitae), Labcorp
Classification: Uncertain significance for Marinesco-Sjögren syndrome. Last evaluated: 2021-12-02. Review status: criteria provided, single submitter. Criteria: Invitae Variant Classification Sherloc (09022015). Collection method: clinical testing. Allele origin: germline.
Comment: This sequence change replaces threonine, which is neutral and polar, with methionine, which is neutral and non-polar, at codon 341 of the SIL1 protein (p.Thr341Met). This variant is present in population databases (rs372399027, gnomAD 0.03%). This variant has not been reported in the literature in individuals affected with SIL1-related conditions. ClinVar contains an entry for this variant (Variation ID: 994490). Algorithms developed to predict the effect of missense changes on protein structure and function (SIFT, PolyPhen-2, Align-GVGD) all suggest that this variant is likely to be tolerated. In summary, the available evidence is currently insufficient to determine the role of this variant in disease. Therefore, it has been classified as a Variant of Uncertain Significance.

Revvity Omics, Revvity
Classification: Uncertain significance for Marinesco-Sjögren syndrome. Last evaluated: 2020-12-22. Review status: criteria provided, single submitter. Criteria: ACMG Guidelines, 2015. Collection method: clinical testing. Allele origin: germline.

Athena Diagnostics
Classification: Uncertain significance. Last evaluated: 2019-11-11. Review status: criteria provided, single submitter. Criteria: Athena Diagnostics Criteria. Collection method: clinical testing. Allele origin: unknown.